The following is an entry in ClinVar:

NM_016203.4(PRKAG2):c.1508A>G (p.Gln503Arg)

Gene: PRKAG2 (protein kinase AMP-activated non-catalytic subunit gamma 2; minus strand). Cytogenetic location: 7q36.1.
Variant type: single nucleotide variant.
Coding change: c.1508A>G on transcript NM_016203.4 (MANE Select); coding-DNA position 1508, A replaced by G.
Protein change: p.Gln503Arg; replaces glutamine 503 with arginine.
Molecular consequence: missense variant.
Genome position (GRCh38, 1-based): chr7:151,564,154, T>C on the plus strand (A>G on the coding strand, the complement: PRKAG2 is on the minus strand). VCF-style: chr7-151564154-T-C. GRCh37 (hg19) VCF-style: chr7-151261240-T-C.
Other names: c.1376A>G, p.Gln459Arg (NM_001040633.2); c.1133A>G, p.Gln378Arg (NM_001304527.2); c.785A>G, p.Gln262Arg (NM_001304531.2, NM_024429.2); c.1136A>G, p.Gln379Arg (NM_001363698.2); short protein forms Q503R, Q378R, Q459R, Q262R, Q379R.
Identifiers: ClinVar variation 177820 (VCV000177820.21), dbSNP rs727504337, ClinGen allele CA013823.

ClinVar aggregate classification (germline): Uncertain significance. Review status: criteria provided, multiple submitters, no conflicts (2 of 4 stars). 6 submissions from 6 submitters: Uncertain significance (5). 1 of the submissions does not count toward it. Last evaluated 2025-11-05.

Conditions:
Wolff-Parkinson-White pattern. Also called: Auriculoventricular accessory pathway syndrome; False bundle branch block syndrome; Anomalous ventricular excitation syndrome; WPW SYNDROME. Identifiers: MedGen C0043202, MONDO:0008685, OMIM 194200, HP:0001716.
Lethal congenital glycogen storage disease of heart. Also called: GLYCOGEN STORAGE DISEASE OF HEART; PHOSPHORYLASE KINASE DEFICIENCY OF HEART. Identifiers: Orphanet 439854, MedGen C1849813, MONDO:0009867, OMIM 261740.
Hypertrophic cardiomyopathy 6. Identifiers: MedGen C1833236, MONDO:0010946, OMIM 600858.
Cardiomyopathy (CMYO). Also called: Cardiomyopathies. Identifiers: Orphanet 167848, MedGen C0878544, MONDO:0004994, HP:0001638. Inheritance: Various modes of inheritance.
Hypertrophic cardiomyopathy. Also called: HYPERTROPHIC MYOCARDIOPATHY. Identifiers: Orphanet 217569, MedGen C0007194, MeSH D002312, MONDO:0005045, HP:0001639.

Allele frequency attached by ClinVar (database versions not stated): gnomAD exomes below 0.00001 and 0.00001; TOPMed 0.00001; ExAC 0.00002.
gnomAD v4.1: 6 of 1,614,206 alleles (0.00037%); highest among the groups gnomAD compares: Non-Finnish European, 0.00051%; no homozygotes.

Submissions (6):

Labcorp Genetics (formerly Invitae), Labcorp
Classification: Uncertain significance for Lethal congenital glycogen storage disease of heart. Last evaluated: 2025-11-05. Review status: criteria provided, single submitter. Criteria: Invitae Variant Classification Sherloc (09022015). Collection method: clinical testing. Allele origin: germline.
Comment: This sequence change replaces glutamine, which is neutral and polar, with arginine, which is basic and polar, at codon 503 of the PRKAG2 protein (p.Gln503Arg). This variant is present in population databases (rs727504337, gnomAD 0.003%). This missense change has been observed in individual(s) with hypertrophic cardiomyopathy and/or sudden infant death syndrome (PMID: 25611685, 27532257, 32789579). ClinVar contains an entry for this variant (Variation ID: 177820). Invitae Evidence Modeling of protein sequence and biophysical properties (such as structural, functional, and spatial information, amino acid conservation, physicochemical variation, residue mobility, and thermodynamic stability) has been performed for this missense variant. However, the output from this modeling did not meet the statistical confidence thresholds required to predict the impact of this variant on PRKAG2 protein function. In summary, the available evidence is currently insufficient to determine the role of this variant in disease. Therefore, it has been classified as a Variant of Uncertain Significance.

All of Us Research Program, National Institutes of Health
Classification: Uncertain significance for Hypertrophic cardiomyopathy. Last evaluated: 2023-11-30. Review status: criteria provided, single submitter. Criteria: ACMG Guidelines, 2015. Collection method: clinical testing. Allele origin: germline. Inheritance: Autosomal dominant inheritance. Observed: 3 variant alleles, 3 heterozygotes.
Comment: This missense variant replaces glutamine with arginine at codon 503 of the PRKAG2 protein. Computational prediction suggests that this variant may have a deleterious impact on protein structure and function (internally defined REVEL score threshold >= 0.7, PMID: 27666373). To our knowledge, functional studies have not been reported for this variant. This variant has been reported in an individual affected with hypertrophic cardiomyopathy (PMID: 25611685, 27532257). It has also been reported in an individual affected with sudden death in infancy (PMID: 32789579). This variant has been identified in 3/251486 chromosomes in the general population by the Genome Aggregation Database (gnomAD). The available evidence is insufficient to determine the role of this variant in disease conclusively. Therefore, this variant is classified as a Variant of Uncertain Significance.

This study involves interpretation of variants in research participants for the purpose of population health screening. Participant phenotype was not available at the time of variant classification. Additional details can be found in publication PMID: 35346344, PMCID: PMC8962531

Color Diagnostics, LLC DBA Color Health
Classification: Uncertain significance for Cardiomyopathy. Last evaluated: 2023-06-08. Review status: criteria provided, single submitter. Criteria: ACMG Guidelines, 2015. Collection method: clinical testing. Allele origin: germline.
Comment: This missense variant replaces glutamine with arginine at codon 503 of the PRKAG2 protein. Computational prediction suggests that this variant may have a deleterious impact on protein structure and function (internally defined REVEL score threshold >= 0.7, PMID: 27666373). To our knowledge, functional studies have not been reported for this variant. This variant has been reported in an individual affected with hypertrophic cardiomyopathy (PMID: 25611685, 27532257). It has also been reported in an individual affected with sudden death in infancy (PMID: 32789579). This variant has been identified in 3/251486 chromosomes in the general population by the Genome Aggregation Database (gnomAD). The available evidence is insufficient to determine the role of this variant in disease conclusively. Therefore, this variant is classified as a Variant of Uncertain Significance.

Blueprint Genetics
Classification: Uncertain significance. Last evaluated: 2023-05-15. Review status: criteria provided, single submitter. Criteria: ACMG Guidelines, 2015. Collection method: clinical testing. Allele origin: germline.

Fulgent Genetics
Classification: Uncertain significance for Wolff-Parkinson-White pattern; Lethal congenital glycogen storage disease of heart; Hypertrophic cardiomyopathy 6. Last evaluated: 2021-08-17. Review status: criteria provided, single submitter. Criteria: ACMG Guidelines, 2015. Collection method: clinical testing. Allele origin: unknown.

Laboratory for Molecular Medicine, Mass General Brigham Personalized Medicine
Classification: Uncertain significance. Last evaluated: 2013-02-13. Review status: no assertion criteria provided. Collection method: clinical testing. Allele origin: germline. Observed: 2 variant alleles. Not counted in ClinVar's aggregate classification.
Comment: proposed classification - variant undergoing re-assessment, contact laboratory

Literature cited by the submitters: PubMed 25611685 (cited by 3 submitters); PubMed 27532257 (cited by 3 submitters); PubMed 32789579 (cited by 3 submitters).